The following is an entry in ClinVar:

NM_145331.3(MAP3K7):c.1430G>A (p.Arg477Gln)

Gene: MAP3K7 (mitogen-activated protein kinase kinase kinase 7; minus strand). Cytogenetic location: 6q15.
Variant type: single nucleotide variant.
Coding change: c.1430G>A on transcript NM_145331.3 (MANE Select); coding-DNA position 1430, G replaced by A.
Protein change: p.Arg477Gln; replaces arginine 477 with glutamine.
Molecular consequence: missense variant.
Genome position (GRCh38, 1-based): chr6:90,523,710, C>T on the plus strand (G>A on the coding strand, the complement: MAP3K7 is on the minus strand). VCF-style: chr6-90523710-C-T. GRCh37 (hg19) VCF-style: chr6-91233429-C-T.
Other names: c.1349G>A, p.Arg450Gln (NM_003188.4, NM_145333.3); c.1430G>A, p.Arg477Gln (NM_145332.3); short protein forms R450Q, R477Q.
Identifiers: ClinVar variation 2782878 (VCV002782878.3), dbSNP rs183005565, ClinGen allele CA3928356.
Genomic context (GRCh38, chr6:90,523,710, plus strand): 5'-CATAAGTATGAAGAAACAGACTGGTCACCTGTGGAATCATCAGGGGTCCATGGATGACTT[C>T]GAGTTGGCTTTTCTGAGGTTGGTCCTGAGGTAGTAATCATTCTGACACTGGGACTGGATG-3'
Protein context (NP_663304.1, residues 467-487): TSGPTSEKPT[Arg477Gln]SHPWTPDDST

ClinVar aggregate classification (germline): Uncertain significance (1 of 4 stars; one submission).

Allele frequency attached by ClinVar (database versions not stated): ExAC 0.00001; gnomAD 0.00001; gnomAD exomes 0.00001; TOPMed 0.00002; 1000 Genomes Project 30x 0.00016; 1000 Genomes Project 0.00020.
gnomAD v4.1: 15 of 1,613,382 alleles (0.00093%); highest among the groups gnomAD compares: Middle Eastern, 0.017%; no homozygotes.

Submission:

Labcorp Genetics (formerly Invitae), Labcorp
Classification: Uncertain significance. Last evaluated: 2023-11-06. Review status: criteria provided, single submitter. Criteria: Invitae Variant Classification Sherloc (09022015). Collection method: clinical testing. Allele origin: germline.
Comment: This sequence change replaces arginine, which is basic and polar, with glutamine, which is neutral and polar, at codon 477 of the MAP3K7 protein (p.Arg477Gln). This variant is present in population databases (rs183005565, gnomAD 0.006%). This variant has not been reported in the literature in individuals affected with MAP3K7-related conditions. An algorithm developed to predict the effect of missense changes on protein structure and function (PolyPhen-2) suggests that this variant is likely to be disruptive. In summary, the available evidence is currently insufficient to determine the role of this variant in disease. Therefore, it has been classified as a Variant of Uncertain Significance.